The following is an entry in ClinVar:

ClinVar aggregate classification (germline): Uncertain significance. Review status: criteria provided, multiple submitters, no conflicts (2 of 4 stars). 2 submissions from 2 submitters: Uncertain significance (2). Last evaluated 2023-03-01.

Submissions (2):

Ambry Genetics
Classification: Uncertain significance. Last evaluated: 2023-03-01. Review status: criteria provided, single submitter. Criteria: Ambry Variant Classification Scheme 2023. Collection method: clinical testing. Allele origin: germline.

Labcorp Genetics (formerly Invitae), Labcorp
Classification: Uncertain significance. Last evaluated: 2022-09-14. Review status: criteria provided, single submitter. Criteria: Invitae Variant Classification Sherloc (09022015). Collection method: clinical testing. Allele origin: germline.
Comment: This sequence change replaces phenylalanine, which is neutral and non-polar, with valine, which is neutral and non-polar, at codon 765 of the IMPG1 protein (p.Phe765Val). This variant is not present in population databases (gnomAD no frequency). This variant has not been reported in the literature in individuals affected with IMPG1-related conditions. Algorithms developed to predict the effect of missense changes on protein structure and function output the following: SIFT: "Tolerated"; PolyPhen-2: "Benign"; Align-GVGD: "Class C0". The valine amino acid residue is found in multiple mammalian species, which suggests that this missense change does not adversely affect protein function. In summary, the available evidence is currently insufficient to determine the role of this variant in disease. Therefore, it has been classified as a Variant of Uncertain Significance.

NM_001563.4(IMPG1):c.2293T>G (p.Phe765Val)

Gene: IMPG1 (interphotoreceptor matrix proteoglycan 1; minus strand). Cytogenetic location: 6q14.1.
Variant type: single nucleotide variant.
Coding change: c.2293T>G on transcript NM_001563.4 (MANE Select); coding-DNA position 2293, T replaced by G.
Protein change: p.Phe765Val; replaces phenylalanine 765 with valine.
Molecular consequence: missense variant.
Genome position (GRCh38, 1-based): chr6:75,923,657, A>C on the plus strand (T>G on the coding strand, the complement: IMPG1 is on the minus strand). VCF-style: chr6-75923657-A-C. GRCh37 (hg19) VCF-style: chr6-76633374-A-C.
Other names: c.2059T>G, p.Phe687Val (NM_001282368.2); c.2293T>G (NM_001563.2); short protein forms F765V, F687V.
Identifiers: ClinVar variation 2065474 (VCV002065474.6), dbSNP rs1781468888, ClinGen allele CA364767017.